The following is an entry in ClinVar:

ClinVar aggregate classification (germline): Pathogenic (1 of 4 stars; one submission).

Conditions:
Hereditary cancer-predisposing syndrome. Also called: Neoplastic Syndromes, Hereditary; Tumor predisposition; Hereditary Cancer Syndrome; Hereditary neoplastic syndrome. Identifiers: Orphanet 140162, MedGen C0027672, MeSH D009386, MONDO:0015356.

Submission:

Color Diagnostics, LLC DBA Color Health
Classification: Pathogenic for Hereditary cancer-predisposing syndrome. Last evaluated: 2022-08-08. Review status: criteria provided, single submitter. Criteria: ACMG Guidelines, 2015. Collection method: clinical testing. Allele origin: germline.
Comment: This variant deletes 1 nucleotide in exon 15 of the BRCA1 gene, creating a frameshift and premature translation stop signal. This variant is expected to result in an absent or non-functional protein product. To our knowledge, this variant has not been reported in individuals affected with hereditary cancer in the literature. This variant has not been identified in the general population by the Genome Aggregation Database (gnomAD). Loss of BRCA1 function is a known mechanism of disease. Based on the available evidence, this variant is classified as Pathogenic.

NM_007294.4(BRCA1):c.4794del (p.Ala1599fs)

Gene: BRCA1 (BRCA1 DNA repair associated; minus strand). Cytogenetic location: 17q21.31.
Variant type: Deletion.
Coding change: c.4794del on transcript NM_007294.4 (MANE Select); coding-DNA position 4794, one base deleted (T; older notation c.4794delT).
Protein change: p.Ala1599fs; shifts the reading frame from alanine 1599.
Molecular consequence: frameshift variant. On other transcripts: intron variant (1).
Genome position (GRCh38, 1-based): chr17:43,071,120, A deleted on the plus strand (T on the coding strand, the reverse complement: BRCA1 is on the minus strand). VCF-style (leftmost placement, unchanged base first): chr17-43071119-CA-C. GRCh37 (hg19) VCF-style: chr17-41223136-CA-C.
Other names: c.4791del, p.Ala1598fs (NM_001407858.1, NM_001407859.1, NM_001407860.1 and 17 more transcripts); c.981del, p.Ala328fs (NM_001408512.1); c.954del, p.Ala319fs (NM_001408513.1); c.4788del, p.Ala1597fs (NM_001407861.1, NM_001407627.1, NM_001407628.1 and 14 more transcripts); c.4587del, p.Ala1530fs (NM_001407875.1, NM_001407874.1); c.1482del, p.Ala495fs (NM_007299.4, NM_007298.4, NM_001407979.1 and 12 more transcripts); c.4584del, p.Ala1529fs (NM_001407879.1, NM_001407881.1, NM_001407882.1 and 5 more transcripts); c.4668del, p.Ala1557fs (NM_001407863.1, NM_001407939.1, NM_001407940.1 and 11 more transcripts); and 72 more; short protein forms A1303fs, A1472fs, A1486fs, A1527fs, A1528fs, A1530fs, A1552fs, A1571fs.
Identifiers: ClinVar variation 2774828 (VCV002774828.2), dbSNP rs2551001473, ClinGen allele CA2697559921.